The following is an entry in ClinVar:

NC_012920.1(MT-ND5):m.14110T>C

Gene: MT-ND5 (mitochondrially encoded NADH dehydrogenase 5; plus strand).
Variant type: single nucleotide variant.
Genome position: chrM-14110-T-C.
Identifiers: ClinVar variation 693666 (VCV000693666.1), dbSNP rs371451099, ClinGen allele CA337099917.

ClinVar aggregate classification (germline): Benign (1 of 4 stars; one submission).

Conditions:
Leigh syndrome (NULS). Also called: Leigh's necrotizing encephalopathy; Leigh's disease; Leigh's syndrome; LEIGH SYNDROME, NUCLEAR; Leigh Syndrome (mtDNA deletion); Leigh Disease. Identifiers: Orphanet 506, MedGen C2931891, MONDO:0009723, OMIM 256000.

Submission:

Wong Mito Lab, Molecular and Human Genetics, Baylor College of Medicine
Classification: Benign for Leigh syndrome. Last evaluated: 2019-10-17. Review status: criteria provided, single submitter. Criteria: Modified ACMG Guidelines (Unpublished). Collection method: clinical testing. Allele origin: germline.
Comment: The NC_012920.1:m.14110T>C (YP_003024036.1:p.Phe592Leu) variant in MTND5 gene is interpretated to be a Benign variant based on the modified ACMG guidelines (unpublished). This variant meets the following evidence codes: BA1